The following is an entry in ClinVar:

ClinVar aggregate classification (germline): Pathogenic. Review status: reviewed by expert panel (3 of 4 stars). 4 submissions from 4 submitters: Pathogenic (1). 3 of the submissions do not count toward it. Last evaluated 2016-10-18.

Conditions:
Hereditary cancer-predisposing syndrome. Also called: Tumor predisposition; Neoplastic Syndromes, Hereditary; Hereditary neoplastic syndrome; Hereditary Cancer Syndrome. Identifiers: Orphanet 140162, MedGen C0027672, MeSH D009386, MONDO:0015356.
Hereditary breast ovarian cancer syndrome. Also called: Hereditary breast and ovarian cancer; Hereditary breast and ovarian cancer syndrome (HBOC); Hereditary breast and/or ovarian cancer syndrome; Breast and ovarian cancer; Hereditary breast and ovarian cancer syndrome; BRCA1- and BRCA2-Associated Hereditary Breast and Ovarian Cancer. Identifiers: Orphanet 145, MedGen C0677776, MeSH D061325, MONDO:0003582. Disease mechanism: loss of function.
Breast-ovarian cancer, familial, susceptibility to, 2 (BROVCA2). Also called: BRCA2 Hereditary Breast and Ovarian Cancer. Identifiers: Orphanet 145, MedGen C2675520, MONDO:0012933, OMIM 612555. Disease mechanism: loss of function.

Submissions (4):

Evidence-based Network for the Interpretation of Germline Mutant Alleles (ENIGMA)
Classification: Pathogenic for Breast-ovarian cancer, familial, susceptibility to, 2. Last evaluated: 2016-10-18. Review status: reviewed by expert panel. Criteria: ENIGMA BRCA1/2 Classification Criteria (2015). Collection method: curation. Allele origin: germline.
Comment: Variant allele predicted to encode a truncated non-functional protein.

Women's Health and Genetics/Laboratory Corporation of America, LabCorp
Classification: Pathogenic for Hereditary breast ovarian cancer syndrome. Last evaluated: 2026-01-15. Review status: criteria provided, single submitter. Criteria: LabCorp Variant Classification Summary - May 2015. Collection method: clinical testing. Allele origin: germline. Not counted in ClinVar's aggregate classification.
Comment: Variant summary: BRCA2 c.3603delC (p.Asn1201LysfsX8) results in a premature termination codon, predicted to cause a truncation of the encoded protein or absence of the protein due to nonsense mediated decay, which are commonly known mechanisms for disease. The variant was absent in 251042 control chromosomes. c.3603delC has been observed in the presumed heterozygous state in individual(s) undergoing genetic testing for Hereditary Breast And Ovarian Cancer Syndrome (example, Rebbeck_2019). The following publication has been ascertained in the context of this evaluation (PMID: 29446198). ClinVar contains an entry for this variant (Variation ID: 266761). Based on the evidence outlined above, the variant was classified as pathogenic.

Ambry Genetics
Classification: Pathogenic for Hereditary cancer-predisposing syndrome. Last evaluated: 2025-08-27. Review status: criteria provided, single submitter. Criteria: Ambry Variant Classification Scheme 2023. Collection method: clinical testing. Allele origin: germline. Not counted in ClinVar's aggregate classification.
Comment: The c.3603delC pathogenic mutation, located in coding exon 10 of the BRCA2 gene, results from a deletion of one nucleotide at nucleotide position 3603, causing a translational frameshift with a predicted alternate stop codon (p.N1201Kfs*8). This variant is considered to be rare based on population cohorts in the Genome Aggregation Database (gnomAD). This alteration is expected to result in loss of function by premature protein truncation or nonsense-mediated mRNA decay. As such, this alteration is interpreted as a disease-causing mutation.

Consortium of Investigators of Modifiers of BRCA1/2 (CIMBA), c/o University of Cambridge
Classification: Pathogenic for Breast-ovarian cancer, familial, susceptibility to, 2. Last evaluated: 2015-10-02. Review status: criteria provided, single submitter. Criteria: CIMBA Mutation Classification guidelines May 2016. Collection method: clinical testing. Allele origin: germline. Not counted in ClinVar's aggregate classification.

Literature cited by the submitters: PubMed 29446198 (cited by Women's Health and Genetics/Laboratory Corporation of America, LabCorp).

NM_000059.4(BRCA2):c.3603del (p.Asn1201fs)

Gene: BRCA2 (BRCA2 DNA repair associated; plus strand). Cytogenetic location: 13q13.1.
Variant type: Deletion.
Coding change: c.3603del on transcript NM_000059.4 (MANE Select); coding-DNA position 3603, one base deleted (C; older notation c.3603delC).
Protein change: p.Asn1201fs; shifts the reading frame from asparagine 1201.
Molecular consequence: frameshift variant.
Genome position (GRCh38, 1-based): chr13:32,337,958, C deleted. VCF-style (leftmost placement, unchanged base first): chr13-32337957-AC-A. GRCh37 (hg19) VCF-style: chr13-32912094-AC-A.
Other names: 3831delC; c.3603delC (NM_000059.3, NM_000059.4); short protein forms N1201fs.
Identifiers: ClinVar variation 266761 (VCV000266761.7), dbSNP rs886040485, ClinGen allele CA10589213.